The following is an entry in ClinVar:

NM_000301.5(PLG):c.1481C>A (p.Ala494Glu)

Gene: PLG (plasminogen; plus strand). Cytogenetic location: 6q26.
Variant type: single nucleotide variant.
Coding change: c.1481C>A on transcript NM_000301.5 (MANE Select); coding-DNA position 1481, C replaced by A.
Protein change: p.Ala494Glu; replaces alanine 494 with glutamic acid.
Molecular consequence: missense variant.
Genome position (GRCh38, 1-based): chr6:160,731,787, C>A. VCF-style: chr6-160731787-C-A. GRCh37 (hg19) VCF-style: chr6-161152819-C-A.
Other names: short protein forms A494E.
Identifiers: ClinVar variation 3593337 (VCV003593337.3).

ClinVar aggregate classification (germline): Uncertain significance. Review status: criteria provided, multiple submitters, no conflicts (2 of 4 stars). 2 submissions from 2 submitters: Uncertain significance (2). Last evaluated 2025-08-13.

Conditions:
Plasminogen deficiency, type I. Also called: Type 1 plasminogen deficiency; Hypoplasminogenemia. Identifiers: Orphanet 722, MedGen C1968804, MONDO:0009009, OMIM 217090.
Angioedema, hereditary, 4. Identifiers: MedGen C5543503, MONDO:0025712, OMIM 619360.

gnomAD v4.1: 67 of 1,613,642 alleles (0.0042%); highest among the groups gnomAD compares: Non-Finnish European, 0.0019%; no homozygotes.

Submissions (2):

Labcorp Genetics (formerly Invitae), Labcorp
Classification: Uncertain significance. Last evaluated: 2025-08-13. Review status: criteria provided, single submitter. Criteria: Invitae Variant Classification Sherloc (09022015). Collection method: clinical testing. Allele origin: germline.
Comment: This sequence change replaces alanine, which is neutral and non-polar, with glutamic acid, which is acidic and polar, at codon 494 of the PLG protein (p.Ala494Glu). This variant is present in population databases (rs4252128, gnomAD 0.1%). This variant has not been reported in the literature in individuals affected with PLG-related conditions. ClinVar contains an entry for this variant (Variation ID: 3593337). Invitae Evidence Modeling of protein sequence and biophysical properties (such as structural, functional, and spatial information, amino acid conservation, physicochemical variation, residue mobility, and thermodynamic stability) indicates that this missense variant is not expected to disrupt PLG protein function with a negative predictive value of 80%. In summary, the available evidence is currently insufficient to determine the role of this variant in disease. Therefore, it has been classified as a Variant of Uncertain Significance.

Fulgent Genetics
Classification: Uncertain significance for Plasminogen deficiency, type I; Angioedema, hereditary, 4. Last evaluated: 2024-05-13. Review status: criteria provided, single submitter. Criteria: ACMG Guidelines, 2015. Collection method: clinical testing. Allele origin: germline.